The following is an entry in ClinVar:

ClinVar aggregate classification (germline): Uncertain significance. Review status: criteria provided, multiple submitters, no conflicts (2 of 4 stars). 6 submissions from 6 submitters: Uncertain significance (6). Last evaluated 2025-11-26.

Conditions:
Inborn genetic diseases. Identifiers: MedGen C0950123, MeSH D030342.
Hereditary spastic paraplegia 47. Also called: CEREBRAL PALSY, SPASTIC QUADRIPLEGIC, 5; adaptor protein 4 (AP-4) deficiency syndrome; Spastic paraplegia 47, autosomal recessive. Identifiers: Orphanet 280763, MedGen C3279738, MONDO:0013551, OMIM 614066.

Allele frequency attached by ClinVar (database versions not stated): gnomAD 0.00008 and 0.00009; ExAC 0.00009; gnomAD exomes 0.00010 and 0.00011; TOPMed 0.00013; ESP Exome Variant Server 0.00015.
gnomAD v4.1: 167 of 1,614,100 alleles (0.01%); highest among the groups gnomAD compares: Non-Finnish European, 0.013%; no homozygotes.

Submissions (6):

Ambry Genetics
Classification: Uncertain significance for Inborn genetic diseases. Last evaluated: 2025-11-26. Review status: criteria provided, single submitter. Criteria: Ambry Variant Classification Scheme 2023. Collection method: clinical testing. Allele origin: germline.

Mayo Clinic Laboratories, Mayo Clinic
Classification: Uncertain significance. Last evaluated: 2025-03-27. Review status: criteria provided, single submitter. Criteria: ACMG Guidelines, 2015. Collection method: clinical testing. Allele origin: germline. Observed: 1 variant allele.
Comment: BP4_moderate

Labcorp Genetics (formerly Invitae), Labcorp
Classification: Uncertain significance for Hereditary spastic paraplegia 47. Last evaluated: 2025-01-13. Review status: criteria provided, single submitter. Criteria: Invitae Variant Classification Sherloc (09022015). Collection method: clinical testing. Allele origin: germline.
Comment: This sequence change replaces threonine, which is neutral and polar, with alanine, which is neutral and non-polar, at codon 59 of the AP4B1 protein (p.Thr59Ala). This variant is present in population databases (rs151293980, gnomAD 0.02%). This variant has not been reported in the literature in individuals affected with AP4B1-related conditions. ClinVar contains an entry for this variant (Variation ID: 472194). Invitae Evidence Modeling of protein sequence and biophysical properties (such as structural, functional, and spatial information, amino acid conservation, physicochemical variation, residue mobility, and thermodynamic stability) indicates that this missense variant is not expected to disrupt AP4B1 protein function with a negative predictive value of 80%. In summary, the available evidence is currently insufficient to determine the role of this variant in disease. Therefore, it has been classified as a Variant of Uncertain Significance.

Blueprint Genetics
Classification: Uncertain significance. Last evaluated: 2024-10-21. Review status: criteria provided, single submitter. Criteria: ACMG Guidelines, 2015. Collection method: clinical testing. Allele origin: germline.

Genome-Nilou Lab
Classification: Uncertain significance for Hereditary spastic paraplegia 47. Last evaluated: 2023-04-11. Review status: criteria provided, single submitter. Criteria: ACMG Guidelines, 2015. Collection method: clinical testing. Allele origin: germline. Affected: no.

GeneDx
Classification: Uncertain significance. Last evaluated: 2021-06-25. Review status: criteria provided, single submitter. Criteria: GeneDx Variant Classification Process June 2021. Collection method: clinical testing. Allele origin: germline. Affected: yes.
Comment: In silico analysis supports that this missense variant has a deleterious effect on protein structure/function; Has not been previously published as pathogenic or benign to our knowledge; This variant is associated with the following publications: (PMID: 25552650, 27535533)

NM_001253852.3(AP4B1):c.175A>G (p.Thr59Ala)

Gene: AP4B1 (adaptor related protein complex 4 subunit beta 1; minus strand). Cytogenetic location: 1p13.2.
Variant type: single nucleotide variant.
Coding change: c.175A>G on transcript NM_001253852.3 (MANE Select); coding-DNA position 175, A replaced by G.
Protein change: p.Thr59Ala; replaces threonine 59 with alanine.
Molecular consequence: missense variant. On other transcripts: intron variant (2).
Genome position (GRCh38, 1-based): chr1:113,902,801, T>C on the plus strand (A>G on the coding strand, the complement: AP4B1 is on the minus strand). VCF-style: chr1-113902801-T-C. GRCh37 (hg19) VCF-style: chr1-114445423-T-C.
Other names: p.Thr59Ala; c.175A>G, p.Thr59Ala (NM_006594.5); c.-56-67A>G (NM_001253853.3); c.113+1804A>G (NM_001308312.2); short protein forms T59A.
Identifiers: ClinVar variation 472194 (VCV000472194.13), dbSNP rs151293980, ClinGen allele CA1016170.